The following is an entry in ClinVar:

ClinVar aggregate classification (germline): Pathogenic/Likely pathogenic. Review status: criteria provided, multiple submitters, no conflicts (2 of 4 stars). 2 submissions from 2 submitters: Pathogenic (1); Likely pathogenic (1). Last evaluated 2022-05-05.

Conditions:
Birt-Hogg-Dube syndrome. Also called: Birt Hogg Dubé syndrome. Identifiers: Orphanet 122, MedGen C0346010, MONDO:0800444.
Hereditary cancer-predisposing syndrome. Also called: Hereditary neoplastic syndrome; Neoplastic Syndromes, Hereditary; Tumor predisposition; Hereditary Cancer Syndrome. Identifiers: Orphanet 140162, MedGen C0027672, MeSH D009386, MONDO:0015356.

Submissions (2):

Ambry Genetics
Classification: Pathogenic for Hereditary cancer-predisposing syndrome. Last evaluated: 2022-05-05. Review status: criteria provided, single submitter. Criteria: Ambry Variant Classification Scheme 2023. Collection method: clinical testing. Allele origin: germline.
Comment: The c.249+1G>T intronic pathogenic mutation results from a G to T substitution one nucleotide after coding exon 1 of the FLCN gene. This variant has been reported in family with Birt-Hogg-Dube syndrome (BHDS) (Liu Y et al. Orphanet J Rare Dis. 2017 05;12:104. This variant is considered to be rare based on population cohorts in the Genome Aggregation Database (gnomAD). This nucleotide position is highly conserved in available vertebrate species. In silico splice site analysis predicts that this alteration will weaken the native splice donor site and may result in the creation or strengthening of a novel splice donor site. In addition to the clinical data presented in the literature, alterations that disrupt the canonical splice site are expected to cause aberrant splicing, resulting in an abnormal protein or a transcript that is subject to nonsense-mediated mRNA decay. As such, this alteration is classified as a disease-causing mutation.

Labcorp Genetics (formerly Invitae), Labcorp
Classification: Likely pathogenic for Birt-Hogg-Dube syndrome. Last evaluated: 2016-05-09. Review status: criteria provided, single submitter. Criteria: Invitae Variant Classification Sherloc (09022015). Collection method: clinical testing. Allele origin: germline.
Comment: In summary, donor and acceptor splice site variants are typically truncating (PMID: 16199547), and truncating variants in FLCN are known to be pathogenic (PMID: 15852235). However, without additional functional and/or genetic data, this variant has been classified as Likely Pathogenic. This variant is not present in population databases (ExAC no frequency) and has not been reported in the literature in individuals with an FLCN-related disease. This sequence change affects a donor splice site in intron 4 of the FLCN gene. It is expected to disrupt mRNA splicing and likely results in an absent or disrupted protein product.

Literature cited by the submitters: PubMed 28558743 (cited by Ambry Genetics); PubMed 16199547 (cited by Labcorp Genetics (formerly Invitae), Labcorp); PubMed 15852235 (cited by Labcorp Genetics (formerly Invitae), Labcorp).

NM_144997.7(FLCN):c.249+1G>T

Gene: FLCN (folliculin; minus strand). Cytogenetic location: 17p11.2.
Variant type: single nucleotide variant.
Coding change: c.249+1G>T on transcript NM_144997.7 (MANE Select); the canonical splice donor site of the intron after coding-DNA position 249, G replaced by T.
Molecular consequence: splice donor variant.
Genome position (GRCh38, 1-based): chr17:17,227,888, C>A on the plus strand (G>T on the coding strand, the complement: FLCN is on the minus strand). VCF-style: chr17-17227888-C-A. GRCh37 (hg19) VCF-style: chr17-17131202-C-A.
Other names: c.249+1G>T (NM_001353231.2, NM_001353230.2, NM_001353229.2 and 1 more transcripts).
Identifiers: ClinVar variation 409384 (VCV000409384.6), dbSNP rs1060502369, ClinGen allele CA16615127.